The following is an entry in ClinVar:

ClinVar aggregate classification (germline): Uncertain significance (1 of 4 stars; one submission).

gnomAD v4.1: 30 of 1,613,870 alleles (0.0019%); highest among the groups gnomAD compares: Non-Finnish European, 0.0025%; no homozygotes.

Submission:

Women's Health and Genetics/Laboratory Corporation of America, LabCorp
Classification: Uncertain significance. Last evaluated: 2025-07-30. Review status: criteria provided, single submitter. Criteria: LabCorp Variant Classification Summary - May 2015. Collection method: clinical testing. Allele origin: germline.
Comment: Variant summary: ALS2 c.2530C>G (p.Leu844Val) results in a conservative amino acid change in the encoded protein sequence. Algorithms developed to predict the effect of missense changes on protein structure and function are either unavailable or do not agree on the potential impact of this missense change. The variant was absent in 249360 control chromosomes. The available data on variant occurrences in the general population are insufficient to allow any conclusion about variant significance. To our knowledge, no occurrence of c.2530C>G in individuals affected with ALS2-Related Disorders and no experimental evidence demonstrating its impact on protein function have been reported. No submitters have cited clinical-significance assessments for this variant to ClinVar. Based on the evidence outlined above, the variant was classified as uncertain significance.

NM_020919.4(ALS2):c.2530C>G (p.Leu844Val)

Gene: ALS2 (alsin Rho guanine nucleotide exchange factor ALS2; minus strand). Cytogenetic location: 2q33.1.
Variant type: single nucleotide variant.
Coding change: c.2530C>G on transcript NM_020919.4 (MANE Select); coding-DNA position 2530, C replaced by G.
Protein change: p.Leu844Val; replaces leucine 844 with valine.
Molecular consequence: missense variant.
Genome position (GRCh38, 1-based): chr2:201,733,326, G>C on the plus strand (C>G on the coding strand, the complement: ALS2 is on the minus strand). VCF-style: chr2-201733326-G-C. GRCh37 (hg19) VCF-style: chr2-202598049-G-C.
Other names: c.2530C>G, p.Leu844Val (NM_001410975.1); short protein forms L844V.
Identifiers: ClinVar variation 4525918 (VCV004525918.1).